The following is an entry in ClinVar:

ClinVar aggregate classification (germline): Conflicting classifications of pathogenicity. Review status: criteria provided, conflicting classifications (1 of 4 stars). 2 submissions from 2 submitters: Uncertain significance (1); Likely benign (1). Last evaluated 2025-05-01.

Conditions:
DICER1-related tumor predisposition. Also called: DICER1-related pleuropulmonary blastoma cancer predisposition syndrome; DICER1 syndrome. Identifiers: Orphanet 284343, MedGen C3839822, MONDO:0100216.
Hereditary cancer-predisposing syndrome. Also called: Neoplastic Syndromes, Hereditary; Hereditary Cancer Syndrome; Hereditary neoplastic syndrome; Tumor predisposition. Identifiers: Orphanet 140162, MedGen C0027672, MeSH D009386, MONDO:0015356.

Submissions (2):

Labcorp Genetics (formerly Invitae), Labcorp
Classification: Likely benign for DICER1-related tumor predisposition. Last evaluated: 2025-05-01. Review status: criteria provided, single submitter. Criteria: Invitae Variant Classification Sherloc (09022015). Collection method: clinical testing. Allele origin: germline.

Ambry Genetics
Classification: Uncertain significance for Hereditary cancer-predisposing syndrome. Last evaluated: 2025-03-28. Review status: criteria provided, single submitter. Criteria: Ambry Variant Classification Scheme 2023. Collection method: clinical testing. Allele origin: germline.
Comment: The p.Q1279E variant (also known as c.3835C>G), located in coding exon 20 of the DICER1 gene, results from a C to G substitution at nucleotide position 3835. The glutamine at codon 1279 is replaced by glutamic acid, an amino acid with highly similar properties. This amino acid position is not well conserved in available vertebrate species. In addition, this alteration is predicted to be tolerated by in silico analysis. Since supporting evidence is limited at this time, the clinical significance of this alteration remains unclear.

NM_177438.3(DICER1):c.3835C>G (p.Gln1279Glu)

Gene: DICER1 (dicer 1, ribonuclease III; minus strand). Cytogenetic location: 14q32.13.
Variant type: single nucleotide variant.
Coding change: c.3835C>G on transcript NM_177438.3 (MANE Select); coding-DNA position 3835, C replaced by G.
Protein change: p.Gln1279Glu; replaces glutamine 1279 with glutamic acid.
Molecular consequence: missense variant.
Genome position (GRCh38, 1-based): chr14:95,103,561, G>C on the plus strand (C>G on the coding strand, the complement: DICER1 is on the minus strand). VCF-style: chr14-95103561-G-C. GRCh37 (hg19) VCF-style: chr14-95569898-G-C.
Other names: c.3835C>G, p.Gln1279Glu (NM_001195573.1, NM_001271282.3, NM_001291628.2 and 1 more transcripts); short protein forms Q1279E.
Identifiers: ClinVar variation 824275 (VCV000824275.16), dbSNP rs1595364529, ClinGen allele CA390873345.